The following is an entry in ClinVar:

ClinVar aggregate classification (germline): Benign. Review status: criteria provided, multiple submitters, no conflicts (2 of 4 stars). 8 submissions from 7 submitters: Benign (8). Last evaluated 2026-02-03.

Conditions:
Dyskeratosis congenita. Identifiers: Orphanet 1775, MedGen C0265965, MONDO:0015780.
Revesz syndrome. Also called: EXUDATIVE RETINOPATHY WITH BONE MARROW FAILURE; DYSKERATOSIS CONGENITA, AUTOSOMAL DOMINANT 5. Identifiers: Orphanet 3088, MedGen C1327916, MONDO:0009990, OMIM 268130.
Dyskeratosis congenita, autosomal dominant 3. Identifiers: MedGen C3151445, MONDO:0013522, OMIM 613990.

Allele frequency attached by ClinVar (database versions not stated): gnomAD exomes 0.00585; ExAC 0.01798; gnomAD 0.05956 and 0.06408; 1000 Genomes Project 0.05970; ESP Exome Variant Server 0.06175; 1000 Genomes Project 30x 0.06387; TOPMed 0.06680.
gnomAD v4.1: 18,046 of 1,613,890 alleles (1.1%); highest among the groups gnomAD compares: African/African-American, 20%; 1,643 homozygotes.

Submissions (8):

Labcorp Genetics (formerly Invitae), Labcorp
Classification: Benign for Dyskeratosis congenita. Last evaluated: 2026-02-03. Review status: criteria provided, single submitter. Criteria: Invitae Variant Classification Sherloc (09022015). Collection method: clinical testing. Allele origin: germline.

ARUP Laboratories, Molecular Genetics and Genomics, ARUP Laboratories
Classification: Benign. Last evaluated: 2025-05-21. Review status: criteria provided, single submitter. Criteria: ARUP Molecular Germline Variant Investigation Process 2024. Collection method: clinical testing. Allele origin: germline.

Center for Genomic Medicine, Rigshospitalet, Copenhagen University Hospital
Classification: Benign. Last evaluated: 2025-03-04. Review status: criteria provided, single submitter. Criteria: ACMG Guidelines, 2015. Collection method: clinical testing. Allele origin: germline.
Comment: Classification criteria: BA1

GeneDx
Classification: Benign. Last evaluated: 2019-02-14. Review status: criteria provided, single submitter. Criteria: GeneDx Variant Classification Process June 2021. Collection method: clinical testing. Allele origin: germline. Affected: yes.

Mayo Clinic Laboratories, Mayo Clinic
Classification: Benign. Last evaluated: 2018-06-21. Review status: criteria provided, single submitter. Criteria: ACMG Guidelines, 2015. Collection method: clinical testing. Allele origin: germline. Observed: 20 variant alleles.

Illumina Laboratory Services, Illumina
Classification: Benign for Dyskeratosis congenita, autosomal dominant 3. Last evaluated: 2018-01-12. Review status: criteria provided, single submitter. Criteria: ICSL Variant Classification Criteria 13 December 2019. Collection method: clinical testing. Allele origin: germline.
Comment: This variant was observed in the ICSL laboratory as part of a predisposition screen in an ostensibly healthy population. It had not been previously curated by ICSL or reported in the Human Gene Mutation Database (HGMD: prior to June 1st, 2018), and was therefore a candidate for classification through an automated scoring system. Utilizing variant allele frequency, disease prevalence and penetrance estimates, and inheritance mode, an automated score was calculated to assess if this variant is too frequent to cause the disease. Based on the score and internal cut-off values, a variant classified as benign is not then subjected to further curation. The score for this variant resulted in a classification of benign for this disease.

Illumina Laboratory Services, Illumina
Classification: Benign for Revesz syndrome. Last evaluated: 2018-01-12. Review status: criteria provided, single submitter. Criteria: ICSL Variant Classification Criteria 13 December 2019. Collection method: clinical testing. Allele origin: germline.
Comment: the same text as in the submission from Illumina Laboratory Services, Illumina above.

Breakthrough Genomics
Classification: Benign. Review status: criteria provided, single submitter. Criteria: ACMG Guidelines, 2015. Collection method: not provided. Allele origin: germline. Inheritance: Autosomal dominant inheritance. Affected: yes.

NM_001099274.3(TINF2):c.1140G>A (p.Pro380=)

Gene: TINF2 (TERF1 interacting nuclear factor 2; minus strand). Cytogenetic location: 14q12.
Variant type: single nucleotide variant.
Coding change: c.1140G>A on transcript NM_001099274.3 (MANE Select); coding-DNA position 1140, G replaced by A.
Protein change: p.Pro380=; no amino-acid change (proline 380 retained).
Molecular consequence: synonymous variant. On other transcripts: 3 prime UTR variant (1).
Genome position (GRCh38, 1-based): chr14:24,240,145, C>T on the plus strand (G>A on the coding strand, the complement: TINF2 is on the minus strand). VCF-style: chr14-24240145-C-T. GRCh37 (hg19) VCF-style: chr14-24709351-C-T.
Other names: p.Pro380=; c.1035G>A, p.Pro345= (NM_001363668.2); c.*270G>A (NM_012461.3).
Identifiers: ClinVar variation 312946 (VCV000312946.27), dbSNP rs10141326, ClinGen allele CA7130472.
Genomic context (GRCh38, chr14:24,240,145, plus strand): 5'-TTCTTCCTCATCAGAGTCTAAAACCAAGTCCCCTATGGTAATGACGGAGCTGCACAGAGA[C>T]GGAGGACACACTGTAGGAGGGAAACCAGAATCAAACTACTACTTCTAGATGAACACAGGC-3'
Protein context (NP_001092744.1, residues 370-390): PPRARKPVCP[Pro380=]SLCSSVITIG